The following is an entry in ClinVar:

ClinVar aggregate classification (germline): Conflicting classifications of pathogenicity. Review status: criteria provided, conflicting classifications (1 of 4 stars). 8 submissions from 8 submitters: Pathogenic (2); Likely pathogenic (3); Uncertain significance (2). 1 of the submissions does not count toward it. Last evaluated 2025-07-10.

Conditions:
Hyperinsulinemic hypoglycemia, familial, 2. Also called: HYPERINSULINEMIC HYPOGLYCEMIA, PERSISTENT; HYPERINSULINISM, NEONATAL. Identifiers: Orphanet 276580, Orphanet 276603, MedGen C2931833, MONDO:0011153, OMIM 601820. Disease mechanism: loss of function.
Diabetes mellitus, permanent neonatal 2. Also called: KCNJ11-Related Permanent Neonatal Diabetes Mellitus. Identifiers: MedGen C5394296, MONDO:0030087, OMIM 618856.
Type 2 diabetes mellitus. Also called: Type II diabetes mellitus. Identifiers: MedGen C0011860, MeSH D003924, MONDO:0005148, OMIM 125853, HP:0005978.
Diabetes mellitus, transient neonatal, 3 (TNDM3). Identifiers: Orphanet 99886, MedGen C1864623, MONDO:0012522, OMIM 610582. Disease mechanism: loss of function.
Maturity-onset diabetes of the young type 13. Also called: MODY, TYPE 13. Identifiers: Orphanet 552, MedGen C4225365, MONDO:0014589, OMIM 616329.
Familial hyperinsulinism. Also called: Congenital hyperinsulinism. Identifiers: Orphanet 276525, MedGen C3888018, MONDO:0017182. Disease mechanism: loss of function.
Permanent neonatal diabetes mellitus 1. Also called: GCK-Related Permanent Neonatal Diabetes Mellitus. Identifiers: MedGen C5393570, MONDO:0100165, OMIM 606176.
Maturity-onset diabetes of the young (MODY). Also called: Maturity onset diabetes mellitus in young. Identifiers: Orphanet 552, MedGen C0342276, MONDO:0018911, HP:0004904.

Allele frequency attached by ClinVar (database versions not stated): gnomAD 0.00001.

Submissions (8):

Women's Health and Genetics/Laboratory Corporation of America, LabCorp
Classification: Pathogenic for Familial hyperinsulinism. Last evaluated: 2025-07-10. Review status: criteria provided, single submitter. Criteria: LabCorp Variant Classification Summary - May 2015. Collection method: clinical testing. Allele origin: germline.
Comment: Variant summary: KCNJ11 c.407G>A (p.Arg136His) results in a non-conservative amino acid change located in the Potassium channel, inwardly rectifying, transmembrane domain (IPR040445) of the encoded protein sequence. Algorithms developed to predict the effect of missense changes on protein structure and function all suggest that this variant is likely to be disruptive. The frequency data for this variant in gnomAD is considered unreliable, as metrics indicate poor data quality at this position. c.407G>A has been observed in individual(s) affected with Familial Hyperinsulinism (Sherif_2013, Wang_2021, Li_2017)). These data indicate that the variant is likely to be associated with disease. A different variant affecting the same codon has been classified as likely pathogenic/pathogenic by our lab (c.407G>T, p.Arg136Leu), supporting the critical relevance of codon 136 to KCNJ11 protein function. To our knowledge, no experimental evidence demonstrating an impact on protein function has been reported. The following publications have been ascertained in the context of this evaluation (PMID: 36208030, 28442472, 20686794, 33502061). ClinVar contains an entry for this variant (Variation ID: 558072). Based on the evidence outlined above, the variant was classified as pathogenic.

Fulgent Genetics
Classification: Likely pathogenic for Type 2 diabetes mellitus; Hyperinsulinemic hypoglycemia, familial, 2; Diabetes mellitus, transient neonatal, 3; Maturity-onset diabetes of the young type 13; Diabetes mellitus, permanent neonatal 2. Last evaluated: 2024-04-06. Review status: criteria provided, single submitter. Criteria: ACMG Guidelines, 2015. Collection method: clinical testing. Allele origin: germline.

Baylor Genetics
Classification: Likely pathogenic for Type 2 diabetes mellitus. Last evaluated: 2024-01-25. Review status: criteria provided, single submitter. Criteria: ACMG Guidelines, 2015. Collection method: clinical testing. Allele origin: unknown.

Labcorp Genetics (formerly Invitae), Labcorp
Classification: Pathogenic. Last evaluated: 2023-11-05. Review status: criteria provided, single submitter. Criteria: Invitae Variant Classification Sherloc (09022015). Collection method: clinical testing. Allele origin: germline.
Comment: This sequence change replaces arginine, which is basic and polar, with histidine, which is basic and polar, at codon 136 of the KCNJ11 protein (p.Arg136His). This variant is not present in population databases (gnomAD no frequency). This missense change has been observed in individuals with autosomal recessive congenital hyperinsulinism (PMID: 20686794, 28442472). ClinVar contains an entry for this variant (Variation ID: 558072). Advanced modeling of protein sequence and biophysical properties (such as structural, functional, and spatial information, amino acid conservation, physicochemical variation, residue mobility, and thermodynamic stability) performed at Invitae indicates that this missense variant is expected to disrupt KCNJ11 protein function with a positive predictive value of 95%. This variant disrupts the p.Arg136 amino acid residue in KCNJ11. Other variant(s) that disrupt this residue have been observed in individuals with KCNJ11-related conditions (PMID: 1422196, 15562009, 28442472; Invitae), which suggests that this may be a clinically significant amino acid residue. For these reasons, this variant has been classified as Pathogenic.

Revvity Omics, Revvity
Classification: Uncertain significance. Last evaluated: 2022-04-26. Review status: criteria provided, single submitter. Criteria: ACMG Guidelines, 2015. Collection method: clinical testing. Allele origin: germline.

Clinical Genomics, Uppaluri K&H Personalized Medicine Clinic
Classification: Uncertain significance for Maturity-onset diabetes of the young. Review status: criteria provided, single submitter. Criteria: K & H Uppaluri Personalized Medicine Clinic Variant Classification & Assertion Criteria_Updated V.1. Collection method: research. Allele origin: somatic. Inheritance: Autosomal dominant inheritance.
Comment: Mutations in KCNJ11 gene can cause decreased production and secretion of insulin. This can lead to MODY which is responsive to oral sulfonylureas. However, more studies are required to ascertain the role of this particular variant (rs1479483693) in MODY.

Juno Genomics, Hangzhou Juno Genomics, Inc
Classification: Likely pathogenic for Type 2 diabetes mellitus; Diabetes mellitus, transient neonatal, 3; Diabetes mellitus, permanent neonatal 2; Hyperinsulinemic hypoglycemia, familial, 2; Maturity-onset diabetes of the young type 13. Review status: criteria provided, single submitter. Criteria: ACMG Guidelines, 2015. Collection method: clinical testing. Allele origin: germline.
Comment: Absent from controls (or at extremely low frequency if recessive) in Genome Aggregation Database.;Multiple lines of computational evidence support a deleterious effect on the gene or gene product.;For recessive disorders, detected in trans with a pathogenic variant.;Patient's phenotype or family history is highly specific for a disease with a single genetic etiology.

Counsyl
Classification: Uncertain significance for Hyperinsulinemic hypoglycemia, familial, 2; Permanent neonatal diabetes mellitus 1; Diabetes mellitus, transient neonatal, 3. Last evaluated: 2018-04-27. Review status: no assertion criteria provided. Collection method: clinical testing. Allele origin: unknown. Not counted in ClinVar's aggregate classification.

Literature cited by the submitters: PubMed 28442472 (cited by Women's Health and Genetics/Laboratory Corporation of America, LabCorp and Labcorp Genetics (formerly Invitae), Labcorp); PubMed 33502061 (cited by Women's Health and Genetics/Laboratory Corporation of America, LabCorp); PubMed 36208030 (cited by Women's Health and Genetics/Laboratory Corporation of America, LabCorp); PubMed 20686794 (cited by 4 submitters); PubMed 1422196 (cited by Labcorp Genetics (formerly Invitae), Labcorp); PubMed 15562009 (cited by Labcorp Genetics (formerly Invitae), Labcorp); PubMed 23226049 (cited by Clinical Genomics, Uppaluri K&H Personalized Medicine Clinic).

NM_000525.4(KCNJ11):c.407G>A (p.Arg136His)

Gene: KCNJ11 (potassium inwardly rectifying channel subfamily J member 11; minus strand). Cytogenetic location: 11p15.1.
Variant type: single nucleotide variant.
Coding change: c.407G>A on transcript NM_000525.4 (MANE Select); coding-DNA position 407, G replaced by A.
Protein change: p.Arg136His; replaces arginine 136 with histidine.
Molecular consequence: missense variant.
Genome position (GRCh38, 1-based): chr11:17,387,685, C>T on the plus strand (G>A on the coding strand, the complement: KCNJ11 is on the minus strand). VCF-style: chr11-17387685-C-T. GRCh37 (hg19) VCF-style: chr11-17409232-C-T.
Other names: c.146G>A, p.Arg49His (NM_001166290.2, NM_001377296.1, NM_001377297.1); short protein forms R136H, R49H.
Identifiers: ClinVar variation 558072 (VCV000558072.17), dbSNP rs1479483693, ClinGen allele CA379773972.
Genomic context (GRCh38, chr11:17,387,685, plus strand): 5'-CCCACGATGTTCTGCACGATGAGGATCAGGATGGCCAGTGGGCACTCCTCAGTCACCATG[C>T]GCCCCCCAAAGCCAATAGTCACTTGGACCTCAATGGAGAAAAGGAAGGCAGACGAGAAGG-3'
Protein context (NP_000516.3, residues 126-146): EVQVTIGFGG[Arg136His]MVTEECPLAI